The following is an entry in ClinVar:

NM_000440.3(PDE6A):c.823_824del (p.Tyr275fs)

Gene: PDE6A (phosphodiesterase 6A; minus strand). Cytogenetic location: 5q32.
Variant type: Deletion.
Coding change: c.823_824del on transcript NM_000440.3 (MANE Select); coding-DNA positions 823 to 824, 2 bases deleted (TA; older notation c.823_824delTA).
Protein change: p.Tyr275fs; shifts the reading frame from tyrosine 275.
Molecular consequence: frameshift variant.
Genome position (GRCh38, 1-based): chr5:149,931,062-149,931,063, TA deleted on the plus strand (TA on the coding strand, the reverse complement: PDE6A is on the minus strand); deleting any 2 consecutive bases within chr5:149,931,062-149,931,064 gives the same sequence; the c. name uses the placement nearest the transcript's 3' end. VCF-style (leftmost placement, unchanged base first): chr5-149931061-GTA-G. GRCh37 (hg19) VCF-style: chr5-149310624-GTA-G.
Other names: c.579_580delAT, p.Tyr194Leufs (NM_001410788.1); short protein forms Y275fs.
Identifiers: ClinVar variation 2418938 (VCV002418938.6), dbSNP rs2480676071, ClinGen allele CA2578449329.

ClinVar aggregate classification (germline): Pathogenic. Review status: criteria provided, multiple submitters, no conflicts (2 of 4 stars). 2 submissions from 2 submitters: Pathogenic (2). Last evaluated 2024-10-16.

Conditions:
PDE6A-related disorder. Also called: PDE6A-related condition.

Submissions (2):

Labcorp Genetics (formerly Invitae), Labcorp
Classification: Pathogenic. Last evaluated: 2024-10-16. Review status: criteria provided, single submitter. Criteria: Invitae Variant Classification Sherloc (09022015). Collection method: clinical testing. Allele origin: germline.
Comment: This sequence change creates a premature translational stop signal (p.Tyr275Leufs*15) in the PDE6A gene. It is expected to result in an absent or disrupted protein product. Loss-of-function variants in PDE6A are known to be pathogenic (PMID: 7493036, 22128245, 23847139). This variant is not present in population databases (gnomAD no frequency). This premature translational stop signal has been observed in individual(s) with PDE6A-related conditions (PMID: 30998820). ClinVar contains an entry for this variant (Variation ID: 2418938). For these reasons, this variant has been classified as Pathogenic.

Blueprint Genetics
Classification: Pathogenic for PDE6A-related disorders. Last evaluated: 2022-06-03. Review status: criteria provided, single submitter. Criteria: ACMG Guidelines, 2015. Collection method: clinical testing. Allele origin: germline. Affected: yes. Observed: 3 variant alleles.

Literature cited by the submitters: PubMed 7493036 (cited by Labcorp Genetics (formerly Invitae), Labcorp); PubMed 22128245 (cited by Labcorp Genetics (formerly Invitae), Labcorp); PubMed 23847139 (cited by Labcorp Genetics (formerly Invitae), Labcorp); PubMed 30998820 (cited by Labcorp Genetics (formerly Invitae), Labcorp).